The following is an entry in ClinVar:

ClinVar aggregate classification (germline): Likely benign. Review status: criteria provided, single submitter (1 of 4 stars). 2 submissions from 2 submitters: Likely benign (1). 1 of the submissions does not count toward it. Last evaluated 2022-12-01.

Conditions:
EPPK1-related disorder. Also called: EPPK1-related condition.

Allele frequency attached by ClinVar (database versions not stated): gnomAD exomes 0.00605; ExAC 0.00372; gnomAD 0.00440; ESP Exome Variant Server 0.00469; 1000 Genomes Project 0.00260; 1000 Genomes Project 30x 0.00265; TOPMed 0.00349.
gnomAD v4.1: 9,471 of 1,613,280 alleles (0.59%); highest among the groups gnomAD compares: Non-Finnish European, 0.7%; 45 homozygotes.

Submissions (2):

CeGaT Center for Human Genetics Tuebingen
Classification: Likely benign. Last evaluated: 2022-12-01. Review status: criteria provided, single submitter. Criteria: CeGaT Center For Human Genetics Tuebingen Variant Classification Criteria Version 2. Collection method: clinical testing. Allele origin: germline. Affected: yes. Observed: 1 variant allele.
Comment: EPPK1: BS2

PreventionGenetics, part of Exact Sciences
Classification: Likely benign for EPPK1-related condition. Last evaluated: 2021-05-11. Review status: no assertion criteria provided. Collection method: clinical testing. Allele origin: germline. Not counted in ClinVar's aggregate classification.
Comment: This variant is classified as likely benign based on ACMG/AMP sequence variant interpretation guidelines (Richards et al. 2015 PMID: 25741868, with internal and published modifications).

NM_031308.4(EPPK1):c.5122G>A (p.Gly1708Ser)

Gene: EPPK1 (epiplakin 1; minus strand). Cytogenetic location: 8q24.3.
Variant type: single nucleotide variant.
Coding change: c.5122G>A on transcript NM_031308.4 (MANE Select); coding-DNA position 5122, G replaced by A.
Protein change: p.Gly1708Ser; replaces glycine 1708 with serine.
Molecular consequence: missense variant.
Genome position (GRCh38, 1-based): chr8:143,868,132, C>T on the plus strand (G>A on the coding strand, the complement: EPPK1 is on the minus strand). VCF-style: chr8-143868132-C-T. GRCh37 (hg19) VCF-style: chr8-144942300-C-T.
Other names: short protein forms G1708S.
Identifiers: ClinVar variation 2658931 (VCV002658931.25), dbSNP rs191533123, ClinGen allele CA4922251.
Genomic context (GRCh38, chr8:143,868,132, plus strand): 5'-AGCCCTTGGTGTCGTCGCTGGGGTCCGCCAGGATGCGGTTCATCTCCTCGTCGAAGTAGC[C>T]GCAGCGGTAGGCCACGTCCACGGGCACGCGGTGGCTGTGCACGGGGTCGATGATGCCGCC-3'
Protein context (NP_112598.3, residues 1698-1718): RVPVDVAYRC[Gly1708Ser]YFDEEMNRIL